The following is an entry in ClinVar:

ClinVar aggregate classification (germline): Uncertain significance (1 of 4 stars; one submission).

Allele frequency attached by ClinVar (database versions not stated): gnomAD exomes below 0.00001.
gnomAD v4.1: 2 of 1,613,982 alleles (0.00012%); highest among the groups gnomAD compares: South Asian, 0.0011%; no homozygotes.

Submission:

Labcorp Genetics (formerly Invitae), Labcorp
Classification: Uncertain significance. Last evaluated: 2023-11-19. Review status: criteria provided, single submitter. Criteria: Invitae Variant Classification Sherloc (09022015). Collection method: clinical testing. Allele origin: germline.
Comment: This sequence change replaces threonine, which is neutral and polar, with alanine, which is neutral and non-polar, at codon 1234 of the DCHS1 protein (p.Thr1234Ala). This variant is not present in population databases (gnomAD no frequency). This variant has not been reported in the literature in individuals affected with DCHS1-related conditions. Advanced modeling of protein sequence and biophysical properties (such as structural, functional, and spatial information, amino acid conservation, physicochemical variation, residue mobility, and thermodynamic stability) performed at Invitae indicates that this missense variant is expected to disrupt DCHS1 protein function with a positive predictive value of 80%. In summary, the available evidence is currently insufficient to determine the role of this variant in disease. Therefore, it has been classified as a Variant of Uncertain Significance.

NM_003737.4(DCHS1):c.3700A>G (p.Thr1234Ala)

Gene: DCHS1 (dachsous cadherin-related 1; minus strand). Cytogenetic location: 11p15.4.
Variant type: single nucleotide variant.
Coding change: c.3700A>G on transcript NM_003737.4 (MANE Select); coding-DNA position 3700, A replaced by G.
Protein change: p.Thr1234Ala; replaces threonine 1234 with alanine.
Molecular consequence: missense variant.
Genome position (GRCh38, 1-based): chr11:6,631,383, T>C on the plus strand (A>G on the coding strand, the complement: DCHS1 is on the minus strand). VCF-style: chr11-6631383-T-C. GRCh37 (hg19) VCF-style: chr11-6652614-T-C.
Other names: short protein forms T1234A.
Identifiers: ClinVar variation 2877696 (VCV002877696.3), dbSNP rs1307828122, ClinGen allele CA379410259.